The following is an entry in ClinVar:

ClinVar aggregate classification (germline): Uncertain significance (1 of 4 stars; one submission).

Submission:

GeneDx
Classification: Uncertain significance. Last evaluated: 2025-02-27. Review status: criteria provided, single submitter. Criteria: GeneDx Variant Classification Process June 2021. Collection method: clinical testing. Allele origin: germline. Affected: yes.
Comment: Frameshift variant predicted to result in protein truncation or nonsense mediated decay in a gene for which loss of function is not a well-established mechanism of disease; Has not been previously published as pathogenic or benign to our knowledge

NM_001373.1:c.9609_9612del

Gene: DNAH14 (dynein axonemal heavy chain 14; plus strand).
Variant type: Deletion.
Identifiers: ClinVar variation 4077194 (VCV004077194.1).